The following is an entry in ClinVar:

NM_001291867.2(NHS):c.1553A>G (p.Glu518Gly)

Gene: NHS (NHS actin remodeling regulator; plus strand). Cytogenetic location: Xp22.13.
Variant type: single nucleotide variant.
Coding change: c.1553A>G on transcript NM_001291867.2 (MANE Select); coding-DNA position 1553, A replaced by G.
Protein change: p.Glu518Gly; replaces glutamic acid 518 with glycine.
Molecular consequence: missense variant.
Genome position (GRCh38, 1-based): chrX:17,725,659, A>G. VCF-style: chrX-17725659-A-G. GRCh37 (hg19) VCF-style: chrX-17743779-A-G.
Other names: c.1022A>G, p.Glu341Gly (NM_001136024.4); c.959A>G, p.Glu320Gly (NM_001291868.2); c.1214A>G, p.Glu405Gly (NM_001440780.1); c.1490A>G, p.Glu497Gly (NM_198270.4); short protein forms E320G, E341G, E405G, E497G, E518G.
Identifiers: ClinVar variation 4738399 (VCV004738399.1).

ClinVar aggregate classification (germline): Uncertain significance (1 of 4 stars; one submission).

Conditions:
Nance-Horan syndrome (NHS). Identifiers: Orphanet 627, MedGen C0796085, MONDO:0010545, OMIM 302350.

gnomAD v4.1: 3 of 1,209,270 alleles (0.00025%); highest among the groups gnomAD compares: Non-Finnish European, 0.00034%; no homozygotes.

Submission:

Labcorp Genetics (formerly Invitae), Labcorp
Classification: Uncertain significance for Nance-Horan syndrome. Last evaluated: 2026-01-06. Review status: criteria provided, single submitter. Criteria: Invitae Variant Classification Sherloc (09022015). Collection method: clinical testing. Allele origin: germline.
Comment: This sequence change replaces glutamic acid, which is acidic and polar, with glycine, which is neutral and non-polar, at codon 497 of the NHS protein (p.Glu497Gly). This variant is present in population databases (no rsID available, gnomAD 0.01%). This variant has not been reported in the literature in individuals affected with NHS-related conditions. Invitae Evidence Modeling of protein sequence and biophysical properties (such as structural, functional, and spatial information, amino acid conservation, physicochemical variation, residue mobility, and thermodynamic stability) indicates that this missense variant is not expected to disrupt NHS protein function with a negative predictive value of 80%. In summary, the available evidence is currently insufficient to determine the role of this variant in disease. Therefore, it has been classified as a Variant of Uncertain Significance.